The following is an entry in ClinVar:

ClinVar aggregate classification (germline): Uncertain significance (1 of 4 stars; one submission).

Conditions:
Pitt-Hopkins-like syndrome 2 (PTHSL2). Identifiers: Orphanet 221150, Orphanet 600663, MedGen C3280479, MONDO:0013690, OMIM 614325.

gnomAD v4.1: 1 of 1,612,384 alleles (0.000062%); highest among the groups gnomAD compares: African/African-American, 0.0013%; no homozygotes.

Submission:

Labcorp Genetics (formerly Invitae), Labcorp
Classification: Uncertain significance for Pitt-Hopkins-like syndrome 2. Last evaluated: 2024-10-14. Review status: criteria provided, single submitter. Criteria: Invitae Variant Classification Sherloc (09022015). Collection method: clinical testing. Allele origin: germline.
Comment: This sequence change replaces threonine, which is neutral and polar, with isoleucine, which is neutral and non-polar, at codon 170 of the NRXN1 protein (p.Thr170Ile). This variant is not present in population databases (gnomAD no frequency). This variant has not been reported in the literature in individuals affected with NRXN1-related conditions. An algorithm developed to predict the effect of missense changes on protein structure and function (PolyPhen-2) suggests that this variant is likely to be tolerated. In summary, the available evidence is currently insufficient to determine the role of this variant in disease. Therefore, it has been classified as a Variant of Uncertain Significance.

NM_001330078.2(NRXN1):c.509C>T (p.Thr170Ile)

Gene: NRXN1 (neurexin 1; minus strand). Cytogenetic location: 2p16.3.
Variant type: single nucleotide variant.
Coding change: c.509C>T on transcript NM_001330078.2 (MANE Select); coding-DNA position 509, C replaced by T.
Protein change: p.Thr170Ile; replaces threonine 170 with isoleucine.
Molecular consequence: missense variant.
Genome position (GRCh38, 1-based): chr2:51,027,765, G>A on the plus strand (C>T on the coding strand, the complement: NRXN1 is on the minus strand). VCF-style: chr2-51027765-G-A. GRCh37 (hg19) VCF-style: chr2-51254903-G-A.
Other names: c.509C>T, p.Thr170Ile (NM_001330081.2, NM_001330082.2, NM_001330083.2 and 15 more transcripts); short protein forms T170I.
Identifiers: ClinVar variation 3669779 (VCV003669779.2).
Genomic context (GRCh38, chr2:51,027,765, plus strand): 5'-TTGACCCTCACGTCACGAATCCACCCCTTGAAGGGCTCCCGCTCCCTCACCGAGGCCAGG[G>A]TGAGCTTGAGCGCCGCGGCGCGCAGTTCCGGGGGCAGCCCCCCGACGAAAAGGCCGCTGA-3'
Protein context (NP_001317007.1, residues 160-180): PELRAAALKL[Thr170Ile]LASVREREPF